The following is an entry in ClinVar:

NM_015348.2(TMEM131):c.3231T>C (p.Val1077=)

Gene: TMEM131 (transmembrane protein 131; minus strand). Cytogenetic location: 2q11.2.
Variant type: single nucleotide variant.
Coding change: c.3231T>C on transcript NM_015348.2 (MANE Select); coding-DNA position 3231, T replaced by C.
Protein change: p.Val1077=; no amino-acid change (valine 1077 retained).
Molecular consequence: synonymous variant.
Genome position (GRCh38, 1-based): chr2:97,795,085, A>G on the plus strand (T>C on the coding strand, the complement: TMEM131 is on the minus strand). VCF-style: chr2-97795085-A-G. GRCh37 (hg19) VCF-style: chr2-98411548-A-G.
Identifiers: ClinVar variation 2651174 (VCV002651174.24), dbSNP rs1244911191, ClinGen allele CA427556865.
Genomic context (GRCh38, chr2:97,795,085, plus strand): 5'-TGCATTCAATATAAATACAAACTCAGAGCCACTGGTTGTTATAAACTTCAGTTCCCGAAT[A>G]ACTCTAGAAGCTGTAAAATCAGGAGTAAACCTAAAACAGAATGATGGTAGTAAGGCTAAG-3'
Protein context (NP_056163.1, residues 1067-1087): LFTPDFTASR[Val1077=]IRELKFITTS

ClinVar aggregate classification (germline): Likely benign (1 of 4 stars; one submission).

Allele frequency attached by ClinVar (database versions not stated): gnomAD exomes 0.00001; TOPMed 0.00003; gnomAD 0.00006.
gnomAD v4.1: 16 of 1,613,644 alleles (0.00099%); highest among the groups gnomAD compares: African/African-American, 0.017%; no homozygotes.

Submission:

CeGaT Center for Human Genetics Tuebingen
Classification: Likely benign. Last evaluated: 2022-07-01. Review status: criteria provided, single submitter. Criteria: CeGaT Center For Human Genetics Tuebingen Variant Classification Criteria Version 2. Collection method: clinical testing. Allele origin: germline. Affected: yes. Observed: 1 variant allele.
Comment: TMEM131: BP4, BP7